The following is an entry in ClinVar:

NM_152594.3(SPRED1):c.794dup (p.Asp265fs)

Gene: SPRED1 (sprouty related EVH1 domain containing 1; plus strand). Cytogenetic location: 15q14.
Variant type: Duplication.
Coding change: c.794dup on transcript NM_152594.3 (MANE Select); coding-DNA position 794, one base duplicated (A; older notation c.794dupA).
Protein change: p.Asp265fs; shifts the reading frame from aspartic acid 265.
Molecular consequence: frameshift variant.
Genome position (GRCh38, 1-based): chr15:38,351,123, A duplicated. VCF-style (leftmost placement, unchanged base first): chr15-38351122-G-GA. GRCh37 (hg19) VCF-style: chr15-38643323-G-GA.
Other names: short protein forms D265fs.
Identifiers: ClinVar variation 1068945 (VCV001068945.10), dbSNP rs2141016108, ClinGen allele CA2499222897.

ClinVar aggregate classification (germline): Pathogenic (1 of 4 stars; one submission).

Conditions:
Legius syndrome. Identifiers: Orphanet 137605, MedGen C1969623, MONDO:0012669, OMIM 611431. Disease mechanism: loss of function.

Submission:

Labcorp Genetics (formerly Invitae), Labcorp
Classification: Pathogenic for Legius syndrome. Last evaluated: 2020-02-18. Review status: criteria provided, single submitter. Criteria: Invitae Variant Classification Sherloc (09022015). Collection method: clinical testing. Allele origin: germline.
Comment: For these reasons, this variant has been classified as Pathogenic. This variant disrupts the C-terminus of the SPRED1 protein. Other variant(s) that disrupt this region (p.Cys418Alafs*6) have been determined to be pathogenic (PMID: 19920235, Invitae). This suggests that variants that disrupt this region of the protein are likely to be causative of disease. This variant has not been reported in the literature in individuals with SPRED1-related conditions. This variant is not present in population databases (ExAC no frequency). This sequence change results in a premature translational stop signal in the SPRED1 gene (p.Asp265Glufs*6). While this is not anticipated to result in nonsense mediated decay, it is expected to disrupt the last 180 amino acids of the SPRED1 protein.

Literature cited by the submitters: PubMed 19920235.